The following is an entry in ClinVar:

ClinVar aggregate classification (germline): Conflicting classifications of pathogenicity. Review status: criteria provided, conflicting classifications (1 of 4 stars). 4 submissions from 4 submitters: Uncertain significance (3); Likely benign (1). Last evaluated 2025-12-08.

Conditions:
Hypertrophic cardiomyopathy. Also called: HYPERTROPHIC MYOCARDIOPATHY. Identifiers: Orphanet 217569, MedGen C0007194, MeSH D002312, MONDO:0005045, HP:0001639.
Cardiomyopathy (CMYO). Also called: Cardiomyopathies. Identifiers: Orphanet 167848, MedGen C0878544, MONDO:0004994, HP:0001638. Inheritance: Various modes of inheritance.

gnomAD v4.1: 12 of 1,610,876 alleles (0.00074%); highest among the groups gnomAD compares: Non-Finnish European, 0.00093%; no homozygotes.

Submissions (4):

Labcorp Genetics (formerly Invitae), Labcorp
Classification: Likely benign for Hypertrophic cardiomyopathy. Last evaluated: 2025-12-08. Review status: criteria provided, single submitter. Criteria: Invitae Variant Classification Sherloc (09022015). Collection method: clinical testing. Allele origin: germline.

All of Us Research Program, National Institutes of Health
Classification: Uncertain significance for Cardiomyopathy. Last evaluated: 2023-10-06. Review status: criteria provided, single submitter. Criteria: ACMG Guidelines, 2015. Collection method: clinical testing. Allele origin: germline. Inheritance: Autosomal dominant inheritance. Observed: 2 variant alleles, 2 heterozygotes.
Comment: This variant causes a C to A nucleotide substitution at the -7 position of intron 37 of the MYH7 gene. Splice prediction tools are inconclusive regarding the impact of this variant on RNA splicing. To our knowledge, functional studies have not been reported for this variant. This variant has not been reported in individuals affected with MYH7-related disorders in the literature. This variant has been identified in 1/249084 chromosomes in the general population by the Genome Aggregation Database (gnomAD). The available evidence is insufficient to determine the role of this variant in disease conclusively. Therefore, this variant is classified as a Variant of Uncertain Significance.

This study involves interpretation of variants in research participants for the purpose of population health screening. Participant phenotype was not available at the time of variant classification. Additional details can be found in publication PMID: 35346344, PMCID: PMC8962531

Color Diagnostics, LLC DBA Color Health
Classification: Uncertain significance for Cardiomyopathy. Last evaluated: 2023-09-28. Review status: criteria provided, single submitter. Criteria: ACMG Guidelines, 2015. Collection method: clinical testing. Allele origin: germline.
Comment: This variant causes a C to A nucleotide substitution at the -7 position of intron 37 of the MYH7 gene. Splice prediction tools are inconclusive regarding the impact of this variant on RNA splicing. To our knowledge, functional studies have not been reported for this variant. This variant has not been reported in individuals affected with MYH7-related disorders in the literature. This variant has been identified in 1/249084 chromosomes in the general population by the Genome Aggregation Database (gnomAD). The available evidence is insufficient to determine the role of this variant in disease conclusively. Therefore, this variant is classified as a Variant of Uncertain Significance.

Stanford Center for Inherited Cardiovascular Disease, Stanford University
Classification: Uncertain significance. Last evaluated: 2017-08-02. Review status: criteria provided, single submitter. Criteria: ACMG Guidelines, 2015. Collection method: provider interpretation. Allele origin: germline.

NM_000257.4(MYH7):c.5560-7C>A

Gene: MYH7 (myosin heavy chain 7; minus strand). Cytogenetic location: 14q11.2.
Variant type: single nucleotide variant.
Coding change: c.5560-7C>A on transcript NM_000257.4 (MANE Select); 7 bases into the intron before coding-DNA position 5560, C replaced by A.
Molecular consequence: intron variant.
Genome position (GRCh38, 1-based): chr14:23,414,109, G>T on the plus strand (C>A on the coding strand, the complement: MYH7 is on the minus strand). VCF-style: chr14-23414109-G-T. GRCh37 (hg19) VCF-style: chr14-23883318-G-T.
Identifiers: ClinVar variation 454391 (VCV000454391.16), dbSNP rs778224065, ClinGen allele CA257807964.